The following is an entry in ClinVar:

NM_001267550.2(TTN):c.31594+54A>T

Gene: TTN (titin; minus strand). Cytogenetic location: 2q31.2.
Variant type: single nucleotide variant.
Coding change: c.31594+54A>T on transcript NM_001267550.2 (MANE Select); 54 bases into the intron after coding-DNA position 31594, A replaced by T.
Molecular consequence: intron variant.
Genome position (GRCh38, 1-based): chr2:178,693,555, T>A on the plus strand (A>T on the coding strand, the complement: TTN is on the minus strand). VCF-style: chr2-178693555-T-A. GRCh37 (hg19) VCF-style: chr2-179558282-T-A.
Other names: c.13282+44527A>T (NM_003319.4); c.13858+44527A>T (NM_133437.4); c.13657+44527A>T (NM_133432.3); c.27862+54A>T (NM_133378.4); c.30643+54A>T (NM_001256850.1).
Identifiers: ClinVar variation 671273 (VCV000671273.2), dbSNP rs2255167, ClinGen allele CA16120090.
Genomic context (GRCh38, chr2:178,693,555, plus strand): 5'-TAGGTATGCACACTGTGACTAAATCTATTATTTAATACTAACATAAATGTTTTACTATGG[T>A]ATTTGTACTAATTTTTATTAAAAGAGTTTAAACTTAGAATGAATTACTAATACCTTTAGG-3'

ClinVar aggregate classification (germline): Benign. Review status: criteria provided, multiple submitters, no conflicts (2 of 4 stars). 2 submissions from 2 submitters: Benign (2). Last evaluated 2018-06-14.

Allele frequency attached by ClinVar (database versions not stated): gnomAD exomes 0.20085; gnomAD 0.23365 and 0.23807; TOPMed 0.24513; 1000 Genomes Project 30x 0.31839; 1000 Genomes Project 0.32228.
gnomAD v4.1: 255,723 of 1,239,368 alleles (21%); highest among the groups gnomAD compares: East Asian, 54%; 30,132 homozygotes.

Submissions (2):

GeneDx
Classification: Benign. Last evaluated: 2018-06-14. Review status: criteria provided, single submitter. Criteria: GeneDx Variant Classification (06012015). Collection method: clinical testing. Allele origin: germline. Affected: yes.
Comment: This variant is considered likely benign or benign based on one or more of the following criteria: it is a conservative change, it occurs at a poorly conserved position in the protein, it is predicted to be benign by multiple in silico algorithms, and/or has population frequency not consistent with disease.

Breakthrough Genomics
Classification: Benign. Review status: criteria provided, single submitter. Criteria: ACMG Guidelines, 2015. Collection method: not provided. Allele origin: germline. Inheritance: Autosomal recessive inheritance. Affected: yes.